The following is an entry in ClinVar:

ClinVar aggregate classification (germline): Uncertain significance (1 of 4 stars; one submission).

Allele frequency attached by ClinVar (database versions not stated): gnomAD exomes below 0.00001 and 0.00001; ExAC 0.00001.
gnomAD v4.1: 7 of 1,613,642 alleles (0.00043%); highest among the groups gnomAD compares: Non-Finnish European, 0.00059%; no homozygotes.

Submission:

Labcorp Genetics (formerly Invitae), Labcorp
Classification: Uncertain significance. Last evaluated: 2024-09-01. Review status: criteria provided, single submitter. Criteria: Invitae Variant Classification Sherloc (09022015). Collection method: clinical testing. Allele origin: germline.
Comment: This sequence change replaces isoleucine, which is neutral and non-polar, with valine, which is neutral and non-polar, at codon 56 of the CACNA1E protein (p.Ile56Val). This variant is present in population databases (rs755455773, gnomAD 0.0009%). This variant has not been reported in the literature in individuals affected with CACNA1E-related conditions. ClinVar contains an entry for this variant (Variation ID: 1440895). Invitae Evidence Modeling of protein sequence and biophysical properties (such as structural, functional, and spatial information, amino acid conservation, physicochemical variation, residue mobility, and thermodynamic stability) indicates that this missense variant is expected to disrupt CACNA1E protein function with a positive predictive value of 95%. In summary, the available evidence is currently insufficient to determine the role of this variant in disease. Therefore, it has been classified as a Variant of Uncertain Significance.

NM_001205293.3(CACNA1E):c.166A>G (p.Ile56Val)

Gene: CACNA1E (calcium voltage-gated channel subunit alpha1 E; plus strand). Cytogenetic location: 1q25.3.
Variant type: single nucleotide variant.
Coding change: c.166A>G on transcript NM_001205293.3 (MANE Select); coding-DNA position 166, A replaced by G.
Protein change: p.Ile56Val; replaces isoleucine 56 with valine.
Molecular consequence: missense variant.
Genome position (GRCh38, 1-based): chr1:181,483,910, A>G. VCF-style: chr1-181483910-A-G. GRCh37 (hg19) VCF-style: chr1-181453046-A-G.
Other names: c.166A>G, p.Ile56Val (NM_000721.4, NM_001205294.2); short protein forms I56V.
Identifiers: ClinVar variation 1440895 (VCV001440895.8), dbSNP rs755455773, ClinGen allele CA1274835.